The following is an entry in ClinVar:

ClinVar aggregate classification (germline): Pathogenic (1 of 4 stars; one submission).

Conditions:
Joubert syndrome 23 (JBTS23). Identifiers: Orphanet 475, MedGen C4084822, MONDO:0014664, OMIM 616490.
Short-rib thoracic dysplasia 14 with polydactyly (SRTD14). Identifiers: Orphanet 397715, MedGen C4225286, MONDO:0014688, OMIM 616546.

Submission:

Labcorp Genetics (formerly Invitae), Labcorp
Classification: Pathogenic for Joubert syndrome 23; Short-rib thoracic dysplasia 14 with polydactyly. Last evaluated: 2023-08-10. Review status: criteria provided, single submitter. Criteria: Invitae Variant Classification Sherloc (09022015). Collection method: clinical testing. Allele origin: germline.
Comment: This variant is not present in population databases (gnomAD no frequency). This variant has not been reported in the literature in individuals affected with KIAA0586-related conditions. ClinVar contains an entry for this variant (Variation ID: 2111855). For these reasons, this variant has been classified as Pathogenic. This sequence change creates a premature translational stop signal (p.Ala602Glnfs*30) in the KIAA0586 gene. It is expected to result in an absent or disrupted protein product. Loss-of-function variants in KIAA0586 are known to be pathogenic (PMID: 26096313, 26166481, 26386044).

Literature cited by the submitters: PubMed 26096313; PubMed 26166481; PubMed 26386044.

NM_001329943.3(KIAA0586):c.1645del (p.Ala549fs)

Gene: KIAA0586 (KIAA0586; plus strand). Cytogenetic location: 14q23.1.
Variant type: Deletion.
Coding change: c.1645del on transcript NM_001329943.3 (MANE Select); coding-DNA position 1645, one base deleted (G; older notation c.1645delG).
Protein change: p.Ala549fs; shifts the reading frame from alanine 549.
Molecular consequence: frameshift variant.
Genome position (GRCh38, 1-based): chr14:58,458,534, G deleted. VCF-style (leftmost placement, unchanged base first): chr14-58458533-TG-T. GRCh37 (hg19) VCF-style: chr14-58925251-TG-T.
Other names: c.1804del, p.Ala602fs (NM_001244189.2); c.1600del, p.Ala534fs (NM_001244190.2); c.1390del, p.Ala464fs (NM_001244191.2, NM_001329945.2, NM_001364700.1 and 1 more transcripts); c.1513del, p.Ala505fs (NM_001244192.2); c.1225del, p.Ala409fs (NM_001244193.2); c.1645del, p.Ala549fs (NM_001329944.2, NM_001329946.2, NM_001329947.2 and 1 more transcripts); short protein forms A549fs, A409fs, A602fs, A464fs, A505fs, A534fs.
Identifiers: ClinVar variation 2111855 (VCV002111855.4), dbSNP rs2543107879, ClinGen allele CA2580088297.
Genomic context (GRCh38, chr14:58,458,533, plus strand): 5'-AGAGATGTCAGAGAAAATTAGGATCAGAAAGACAGTGGATGAATGGATTAAAACTATTTC[TG>T]CAGAAATTCAGGTATGTCTTGGAAAAAAACTGAAAATTAAGTGAATTCTCAGAAGATAAT-3'